The following is an entry in ClinVar:

NM_001291867.2(NHS):c.86G>T (p.Gly29Val)

Gene: NHS (NHS actin remodeling regulator; plus strand). Cytogenetic location: Xp22.2.
Variant type: single nucleotide variant.
Coding change: c.86G>T on transcript NM_001291867.2 (MANE Select); coding-DNA position 86, G replaced by T.
Protein change: p.Gly29Val; replaces glycine 29 with valine.
Molecular consequence: missense variant.
Genome position (GRCh38, 1-based): chrX:17,375,843, G>T. VCF-style: chrX-17375843-G-T. GRCh37 (hg19) VCF-style: chrX-17393966-G-T.
Other names: c.86G>T, p.Gly29Val (NM_198270.4); short protein forms G29V.
Identifiers: ClinVar variation 2717968 (VCV002717968.3), dbSNP rs1459079507, ClinGen allele CA412484012.

ClinVar aggregate classification (germline): Uncertain significance (1 of 4 stars; one submission).

Conditions:
Nance-Horan syndrome (NHS). Identifiers: Orphanet 627, MedGen C0796085, MONDO:0010545, OMIM 302350.

Submission:

Labcorp Genetics (formerly Invitae), Labcorp
Classification: Uncertain significance for Nance-Horan syndrome. Last evaluated: 2023-08-10. Review status: criteria provided, single submitter. Criteria: Invitae Variant Classification Sherloc (09022015). Collection method: clinical testing. Allele origin: germline.
Comment: In summary, the available evidence is currently insufficient to determine the role of this variant in disease. Therefore, it has been classified as a Variant of Uncertain Significance. An algorithm developed to predict the effect of missense changes on protein structure and function (PolyPhen-2) suggests that this variant is likely to be disruptive. This variant has not been reported in the literature in individuals affected with NHS-related conditions. This variant is not present in population databases (gnomAD no frequency). This sequence change replaces glycine, which is neutral and non-polar, with valine, which is neutral and non-polar, at codon 29 of the NHS protein (p.Gly29Val).